The following is an entry in ClinVar:

NM_000094.4(COL7A1):c.3971del (p.Leu1324fs)

Gene: COL7A1 (collagen type VII alpha 1 chain; minus strand). Cytogenetic location: 3p21.31.
Variant type: Deletion.
Coding change: c.3971del on transcript NM_000094.4 (MANE Select); coding-DNA position 3971, one base deleted (T; older notation c.3971delT).
Protein change: p.Leu1324fs; shifts the reading frame from leucine 1324.
Molecular consequence: frameshift variant.
Genome position (GRCh38, 1-based): chr3:48,585,040, A deleted on the plus strand (T on the coding strand, the reverse complement: COL7A1 is on the minus strand). VCF-style (leftmost placement, unchanged base first): chr3-48585039-TA-T. GRCh37 (hg19) VCF-style: chr3-48622472-TA-T.
Other names: c.3971delT (NM_000094.3); c.3971del (NM_000094.3); short protein forms L1324fs.
Identifiers: ClinVar variation 291012 (VCV000291012.14), dbSNP rs886044621, ClinGen allele CA10606986.

ClinVar aggregate classification (germline): Pathogenic/Likely pathogenic. Review status: criteria provided, multiple submitters, no conflicts (2 of 4 stars). 5 submissions from 5 submitters: Pathogenic (4); Likely pathogenic (1). Last evaluated 2025-12-08.

Conditions:
Recessive dystrophic epidermolysis bullosa (RDEB). Also called: epidermolysis bullosa dystrophica, autosomal recessive; Hallopeau-Siemens Disease; DYSTROPHIC EPIDERMOLYSIS BULLOSA, AUTOSOMAL RECESSIVE; EPIDERMOLYSIS BULLOSA DYSTROPHICA, HALLOPEAU-SIEMENS TYPE; EPIDERMOLYSIS BULLOSA DYSTROPHICA, GENERALIZED SEVERE, AUTOSOMAL RECESSIVE; Recessive DEB (RDEB). Identifiers: Orphanet 79408, Orphanet 79409, MedGen C0079474, MONDO:0009179, OMIM 226600.
Epidermolysis bullosa dystrophica. Also called: Dystrophic epidermolysis bullosa, Hallopeau-Siemens type (formerly); Dystrophic epidermolysis bullosa. Identifiers: Orphanet 303, MedGen C0079294, MONDO:0006543.

Allele frequency attached by ClinVar (database versions not stated): gnomAD 0.00001; gnomAD exomes 0.00001; TOPMed 0.00001.

Submissions (5):

Labcorp Genetics (formerly Invitae), Labcorp
Classification: Pathogenic. Last evaluated: 2025-12-08. Review status: criteria provided, single submitter. Criteria: Invitae Variant Classification Sherloc (09022015). Collection method: clinical testing. Allele origin: germline.
Comment: This sequence change creates a premature translational stop signal (p.Leu1324Glnfs*75) in the COL7A1 gene. It is expected to result in an absent or disrupted protein product. Loss-of-function variants in COL7A1 are known to be pathogenic (PMID: 16971478). This variant is not present in population databases (gnomAD no frequency). This variant has not been reported in the literature in individuals affected with COL7A1-related conditions. ClinVar contains an entry for this variant (Variation ID: 291012). For these reasons, this variant has been classified as Pathogenic.

GeneDx
Classification: Pathogenic. Last evaluated: 2025-06-16. Review status: criteria provided, single submitter. Criteria: GeneDx Variant Classification Process June 2021. Collection method: clinical testing. Allele origin: germline. Affected: yes.
Comment: Frameshift variant predicted to result in protein truncation or nonsense mediated decay in a gene for which loss of function is a known mechanism of disease; Not observed at significant frequency in large population cohorts (gnomAD); Has not been previously published as pathogenic or benign to our knowledge

Myriad Genetics, Inc.
Classification: Pathogenic for Recessive dystrophic epidermolysis bullosa. Last evaluated: 2025-03-04. Review status: criteria provided, single submitter. Criteria: Myriad Autosomal Dominant, Autosomal Recessive and X-Linked Classification Criteria (2023). Collection method: clinical testing. Allele origin: unknown.
Comment: NM_000094.3(COL7A1):c.3971delT(L1324Qfs*75) is a frameshift variant classified as pathogenic in the context of dystrophic epidermolysis bullosa. L1324Qfs*75 has not been observed in cases with relevant disease. Relevant functional assessments of this variant are not available in the literature. L1324Qfs*75 has not been observed in referenced population frequency databases. In summary, NM_000094.3(COL7A1):c.3971delT(L1324Qfs*75) is a frameshift variant in a gene where loss of function is a known mechanism of disease and is predicted to disrupt protein function. Please note: this variant was assessed in the context of healthy population screening.

Natera, Inc.
Classification: Likely pathogenic for Dystrophic epidermolysis bullosa. Last evaluated: 2024-11-03. Review status: criteria provided, single submitter. Criteria: Natera Variant Classification Schema (03/2026). Collection method: clinical testing. Allele origin: germline.
Comment: The c.3971delT variant in COL7A1 is a frameshift variant predicted to shift the reading frame beginning at codon 1324 and leads to a stop codon 75 codons downstream. This variant is expected to result in nonsense mediated decay, truncation, or a dysfunctional protein product. This variant is rare in the general population with a frequency below the threshold expected for the associated phenotype(s). Given the available evidence, this variant is classified as Likely Pathogenic.

Eurofins Ntd Llc (ga)
Classification: Pathogenic. Last evaluated: 2016-08-29. Review status: criteria provided, single submitter. Criteria: EGL Classification Definitions 2015. Collection method: clinical testing. Allele origin: germline. Observed: 1 variant allele, 1 heterozygote.

Literature cited by the submitters: PubMed 16971478 (cited by Labcorp Genetics (formerly Invitae), Labcorp).